The following is an entry in ClinVar:

ClinVar aggregate classification (germline): Uncertain significance (1 of 4 stars; one submission).

Submission:

GeneDx
Classification: Uncertain significance. Last evaluated: 2024-05-16. Review status: criteria provided, single submitter. Criteria: GeneDx Variant Classification Process June 2021. Collection method: clinical testing. Allele origin: germline. Affected: yes.
Comment: Not observed at significant frequency in large population cohorts (gnomAD); Frameshift variant predicted to result in protein truncation or nonsense mediated decay in a gene or region of a gene for which loss of function is not a well-established mechanism of disease; Has not been previously published as pathogenic or benign to our knowledge

NM_000786.4(CYP51A1):c.275_278del (p.Glu92fs)

Gene: CYP51A1 (cytochrome P450 family 51 subfamily A member 1; minus strand). Cytogenetic location: 7q21.2.
Variant type: Deletion.
Coding change: c.275_278del on transcript NM_000786.4 (MANE Select); coding-DNA positions 275 to 278, 4 bases deleted (AAAA; older notation c.275_278delAAAA).
Protein change: p.Glu92fs; shifts the reading frame from glutamic acid 92.
Molecular consequence: frameshift variant. On other transcripts: 5 prime UTR variant (1).
Genome position (GRCh38, 1-based): chr7:92,131,787-92,131,790, TTTT deleted on the plus strand (AAAA on the coding strand, the reverse complement: CYP51A1 is on the minus strand). VCF-style (leftmost placement, unchanged base first): chr7-92131786-ATTTT-A. GRCh37 (hg19) VCF-style: chr7-91761100-ATTTT-A.
Other names: c.-41_-38del (NM_001146152.2); short protein forms E92fs.
Identifiers: ClinVar variation 3384589 (VCV003384589.1).
Genomic context (GRCh38, chr7:92,131,786, plus strand): 5'-TTCTCTAGTTGTTTTTTTTTTTTTCCTCTAATTATTTGGAAGACTTACCTTCTCATATGC[ATTTT>A]CTAGAAATTCAATTGGACTTTTCCCAAATGCTATGGCATGCCCAAGGAATGGAATTGGGG-3'